The following is an entry in ClinVar:

NM_001369369.1(FOXN1):c.362C>T (p.Ala121Val)

Gene: FOXN1 (forkhead box N1; plus strand). Cytogenetic location: 17q11.2.
Variant type: single nucleotide variant.
Coding change: c.362C>T on transcript NM_001369369.1 (MANE Select); coding-DNA position 362, C replaced by T.
Protein change: p.Ala121Val; replaces alanine 121 with valine.
Molecular consequence: missense variant.
Genome position (GRCh38, 1-based): chr17:28,524,741, C>T. VCF-style: chr17-28524741-C-T. GRCh37 (hg19) VCF-style: chr17-26851759-C-T.
Other names: NM_001369369.1(FOXN1):c.362C>T; p.Ala121Val; c.362C>T, p.Ala121Val (NM_003593.3); short protein forms A121V.
Identifiers: ClinVar variation 712831 (VCV000712831.10), dbSNP rs557541901, ClinGen allele CA8459206.

ClinVar aggregate classification (germline): Likely benign. Review status: reviewed by expert panel (3 of 4 stars). 3 submissions from 3 submitters: Likely benign (1). 2 of the submissions do not count toward it. Last evaluated 2024-07-29.

Conditions:
FOXN1-related disorder. Also called: FOXN1-related condition.
T-cell immunodeficiency, congenital alopecia, and nail dystrophy. Also called: Congenital alopecia and nail dystrophy associated with severe functional T-cell immunodeficiency; Pignata Guarino syndrome. Identifiers: Orphanet 169095, MedGen C1866426, MONDO:0011132, OMIM 601705.

Allele frequency attached by ClinVar (database versions not stated): gnomAD below 0.00001 and 0.00009; TOPMed 0.00001; gnomAD exomes 0.00019 and 0.00039; ExAC 0.00048; 1000 Genomes Project 0.00060; 1000 Genomes Project 30x 0.00062.
gnomAD v4.1: 296 of 1,612,892 alleles (0.018%); highest among the groups gnomAD compares: South Asian, 0.3%; 2 homozygotes.

Submissions (3):

ClinGen Severe Combined Immunodeficiency Variant Curation Expert Panel, ClinGen
Classification: Likely benign for T-cell immunodeficiency, congenital alopecia, and nail dystrophy. Last evaluated: 2024-07-29. Review status: reviewed by expert panel. Criteria: ClinGen SCID ACMG Specifications FOXN1 V1.0.0. Collection method: curation. Allele origin: germline. Inheritance: Semidominant inheritance.
Comment: The NM_001369369.1(FOXN1):c.362C>T (p.Ala121Val) missense variant has a popmax filtering allele frequency in gnomADv2.1.1 is 0.002556 (based on 93/30402 alleles) in the South Asian population, this is above the SCID VCEP specified threshold of >0.00141 (BS1). The REVEL score of 0.207 is below the SCID VCEP specified threshold of <0.290 and does not predict a damaging effect (BP4). After a comprehensive literature search, the variant has not been identified in any individuals with T-cell immunodeficiency, congenital alopecia, and nail dystrophy. In summary this variant meets criteria to be classified as likely benign for semidominant T-cell immunodeficiency, congenital alopecia, and nail dystrophy based on the ACMG/AMP criteria, as specified by the ClinGen SCID VCEP: BS1, BP4.

Labcorp Genetics (formerly Invitae), Labcorp
Classification: Benign for T-cell immunodeficiency, congenital alopecia, and nail dystrophy. Last evaluated: 2026-01-25. Review status: criteria provided, single submitter. Criteria: Invitae Variant Classification Sherloc (09022015). Collection method: clinical testing. Allele origin: germline. Not counted in ClinVar's aggregate classification.

PreventionGenetics, part of Exact Sciences
Classification: Likely benign for FOXN1-related condition. Last evaluated: 2023-06-23. Review status: no assertion criteria provided. Collection method: clinical testing. Allele origin: germline. Not counted in ClinVar's aggregate classification.
Comment: This variant is classified as likely benign based on ACMG/AMP sequence variant interpretation guidelines (Richards et al. 2015 PMID: 25741868, with internal and published modifications).